The following is an entry in ClinVar:

NM_000551.4(VHL):c.435_436del (p.Gln145fs)

Genes: VHL (von Hippel-Lindau tumor suppressor; plus strand), LOC107303340 (3p25 von Hippel-Lindau tumor suppressor, E3 ubiquitin protein ligase Alu-mediated recombination region; plus strand). Cytogenetic location: 3p25.3.
Variant type: Deletion.
Coding change: c.435_436del on transcript NM_000551.4 (MANE Select); coding-DNA positions 435 to 436, 2 bases deleted (GC; older notation c.435_436delGC).
Protein change: p.Gln145fs; shifts the reading frame from glutamine 145.
Molecular consequence: frameshift variant. On other transcripts: intron variant (2).
Genome position (GRCh38, 1-based): chr3:10,146,608-10,146,609, GC deleted. VCF-style (leftmost placement, unchanged base first): chr3-10146607-AGC-A. GRCh37 (hg19) VCF-style: chr3-10188291-AGC-A.
Other names: c.435_436delGC (NM_000551.3); c.*18-3179_*18-3178del (NM_001354723.2); c.341-3179_341-3178del (NM_198156.3); c.435_436del (NM_000551.3); short protein forms Q145fs.
Identifiers: ClinVar variation 223210 (VCV000223210.10), dbSNP rs869025652, ClinGen allele CA357041.

ClinVar aggregate classification (germline): Pathogenic/Likely pathogenic. Review status: criteria provided, multiple submitters, no conflicts (2 of 4 stars). 3 submissions from 3 submitters: Pathogenic (1); Likely pathogenic (1). 1 of the submissions does not count toward it. Last evaluated 2023-10-03.

Conditions:
Von Hippel-Lindau syndrome (VHLS). Also called: Von Hippel-Lindau; von Hippel–Lindau syndrome; VHL syndrome. Identifiers: Orphanet 892, MedGen C0019562, MONDO:0008667, OMIM 193300. Disease mechanism: loss of function.
Chuvash polycythemia. Also called: POLYCYTHEMIA, VHL-DEPENDENT. Identifiers: Orphanet 238557, MedGen C1837915, MONDO:0009892, OMIM 263400.

Submissions (3):

Quest Diagnostics Nichols Institute San Juan Capistrano
Classification: Likely pathogenic. Last evaluated: 2023-10-03. Review status: criteria provided, single submitter. Criteria: Quest Diagnostics criteria. Collection method: clinical testing. Allele origin: unknown.
Comment: The VHL c.435_436del (p.Gln145Hisfs*28) variant alters the translational reading frame of the VHL mRNA and creates a premature stop codon near the terminal region of the VHL gene where it is not expected to trigger nonsense-mediate decay of the affected transcript. However the resulting disruption of approximately 32% of the coding sequences of the VHL gene is predicted to negatively impact protein structure or function. This variant has been reported in the published literature in at least one individual with von Hippel-Lindau syndrome (PMID: 7977367 (1994)). This variant has not been reported in large, multi-ethnic general populations (Genome Aggregation Database). Based on the available information, this variant is classified as likely pathogenic.

Labcorp Genetics (formerly Invitae), Labcorp
Classification: Pathogenic for Von Hippel-Lindau syndrome; Chuvash polycythemia. Last evaluated: 2021-01-25. Review status: criteria provided, single submitter. Criteria: Invitae Variant Classification Sherloc (09022015). Collection method: clinical testing. Allele origin: germline.
Comment: This sequence change results in a premature translational stop signal in the VHL gene (p.Gln145Hisfs*28). While this is not anticipated to result in nonsense mediated decay, it is expected to disrupt the last 69 amino acids of the VHL protein. This variant is not present in population databases (ExAC no frequency). This variant has been reported in a family affected with von Hippel-Lindau syndrome (PMID: 7977367). This variant is also known as c.648_649delGC in the literature. ClinVar contains an entry for this variant (Variation ID: 223210). A different truncation (p.Arg161*) that lies downstream of this variant has been determined to be pathogenic (PMID: 19602254, 18446368, 24301059, 14722919, 24206762). Additionally, this truncation disrupts a significant portion of the VHL elongin binding domain (PMID: 14987375), which is required for protein stability and tumor suppressive activity (PMID: 10900011). Experimental studies have shown that missense substitutions in this domain (p.Arg161Gln, p.Cys162Trp, p.Arg167Gly, p.Arg167Trp, p.Arg167Gln) impair protein function in vitro (PMID: 25371412, 21715564, 17350623, 19602254, 15574766, 19030229, 19252526, 14973063), indicating that the amino acid residues disrupted by this truncating variant are important for protein function. For these reasons, this variant has been classified as Pathogenic.

Genomic Diagnostic Laboratory, Division of Genomic Diagnostics, Children's Hospital of Philadelphia
Classification: Pathogenic for Von Hippel-Lindau syndrome. Last evaluated: 2016-02-26. Review status: no assertion criteria provided. Collection method: clinical testing. Allele origin: germline. Affected: yes. Observed: 10 variant alleles. Not counted in ClinVar's aggregate classification.

Literature cited by the submitters: PubMed 7977367 (cited by Quest Diagnostics Nichols Institute San Juan Capistrano and Labcorp Genetics (formerly Invitae), Labcorp); PubMed 19602254 (cited by Labcorp Genetics (formerly Invitae), Labcorp); PubMed 18446368 (cited by Labcorp Genetics (formerly Invitae), Labcorp); PubMed 24301059 (cited by Labcorp Genetics (formerly Invitae), Labcorp); PubMed 14722919 (cited by Labcorp Genetics (formerly Invitae), Labcorp); PubMed 24206762 (cited by Labcorp Genetics (formerly Invitae), Labcorp); PubMed 14987375 (cited by Labcorp Genetics (formerly Invitae), Labcorp); PubMed 10900011 (cited by Labcorp Genetics (formerly Invitae), Labcorp); PubMed 25371412 (cited by Labcorp Genetics (formerly Invitae), Labcorp); PubMed 21715564 (cited by Labcorp Genetics (formerly Invitae), Labcorp); PubMed 17350623 (cited by Labcorp Genetics (formerly Invitae), Labcorp); PubMed 15574766 (cited by Labcorp Genetics (formerly Invitae), Labcorp); PubMed 19030229 (cited by Labcorp Genetics (formerly Invitae), Labcorp); PubMed 19252526 (cited by Labcorp Genetics (formerly Invitae), Labcorp); PubMed 14973063 (cited by Labcorp Genetics (formerly Invitae), Labcorp).